The following is an entry in ClinVar:

ClinVar aggregate classification (germline): Conflicting classifications of pathogenicity. Review status: criteria provided, conflicting classifications (1 of 4 stars). 5 submissions from 5 submitters: Uncertain significance (1); Benign (2); Likely benign (1). 1 of the submissions does not count toward it. Last evaluated 2025-11-25.

Conditions:
FYCO1-related disorder. Also called: FYCO1-related condition.
Inborn genetic diseases. Identifiers: MedGen C0950123, MeSH D030342.
Cataract 18 (CATC2). Also called: CATARACT 18, AUTOSOMAL RECESSIVE. Identifiers: Orphanet 91492, Orphanet 98991, Orphanet 98992, Orphanet 98995, MedGen C1864908, MONDO:0012395, OMIM 610019.

Allele frequency attached by ClinVar (database versions not stated): gnomAD exomes 0.00026 and 0.00081; ExAC 0.00103; gnomAD 0.00269 and 0.00295; TOPMed 0.00297; 1000 Genomes Project 0.00339; 1000 Genomes Project 30x 0.00359; ESP Exome Variant Server 0.00408.
gnomAD v4.1: 810 of 1,613,264 alleles (0.05%); highest among the groups gnomAD compares: African/African-American, 0.96%; 2 homozygotes.

Submissions (5):

Labcorp Genetics (formerly Invitae), Labcorp
Classification: Benign for Cataract 18. Last evaluated: 2025-11-25. Review status: criteria provided, single submitter. Criteria: Invitae Variant Classification Sherloc (09022015). Collection method: clinical testing. Allele origin: germline.

Ambry Genetics
Classification: Uncertain significance for Inborn genetic diseases. Last evaluated: 2025-08-05. Review status: criteria provided, single submitter. Criteria: Ambry Variant Classification Scheme 2023. Collection method: clinical testing. Allele origin: germline.

GeneDx
Classification: Likely benign. Last evaluated: 2022-01-09. Review status: criteria provided, single submitter. Criteria: GeneDx Variant Classification Process June 2021. Collection method: clinical testing. Allele origin: germline. Affected: yes.
Comment: See Variant Classification Assertion Criteria.

Illumina Laboratory Services, Illumina
Classification: Benign for Cataract 18. Last evaluated: 2018-01-12. Review status: criteria provided, single submitter. Criteria: ICSL Variant Classification Criteria 13 December 2019. Collection method: clinical testing. Allele origin: germline.
Comment: This variant was observed in the ICSL laboratory as part of a predisposition screen in an ostensibly healthy population. It had not been previously curated by ICSL or reported in the Human Gene Mutation Database (HGMD: prior to June 1st, 2018), and was therefore a candidate for classification through an automated scoring system. Utilizing variant allele frequency, disease prevalence and penetrance estimates, and inheritance mode, an automated score was calculated to assess if this variant is too frequent to cause the disease. Based on the score and internal cut-off values, a variant classified as benign is not then subjected to further curation. The score for this variant resulted in a classification of benign for this disease.

PreventionGenetics, part of Exact Sciences
Classification: Benign for FYCO1-related condition. Last evaluated: 2019-05-08. Review status: no assertion criteria provided. Collection method: clinical testing. Allele origin: germline. Not counted in ClinVar's aggregate classification.
Comment: This variant is classified as benign based on ACMG/AMP sequence variant interpretation guidelines (Richards et al. 2015 PMID: 25741868, with internal and published modifications).

NM_024513.4(FYCO1):c.2806G>A (p.Ala936Thr)

Gene: FYCO1 (FYVE and coiled-coil domain autophagy adaptor 1; minus strand). Cytogenetic location: 3p21.31.
Variant type: single nucleotide variant.
Coding change: c.2806G>A on transcript NM_024513.4 (MANE Select); coding-DNA position 2806, G replaced by A.
Protein change: p.Ala936Thr; replaces alanine 936 with threonine.
Molecular consequence: missense variant.
Genome position (GRCh38, 1-based): chr3:45,966,528, C>T on the plus strand (G>A on the coding strand, the complement: FYCO1 is on the minus strand). VCF-style: chr3-45966528-C-T. GRCh37 (hg19) VCF-style: chr3-46008020-C-T.
Other names: c.2806G>A (NM_024513.2); short protein forms A936T.
Identifiers: ClinVar variation 345507 (VCV000345507.15), dbSNP rs149818737, ClinGen allele CA2352963.